The following is an entry in ClinVar:

NM_024753.5(TTC21B):c.21+7G>T

Gene: TTC21B (tetratricopeptide repeat domain 21B; minus strand). Cytogenetic location: 2q24.3.
Variant type: single nucleotide variant.
Coding change: c.21+7G>T on transcript NM_024753.5 (MANE Select); 7 bases into the intron after coding-DNA position 21, G replaced by T.
Molecular consequence: intron variant.
Genome position (GRCh38, 1-based): chr2:165,953,678, C>A on the plus strand (G>T on the coding strand, the complement: TTC21B is on the minus strand). VCF-style: chr2-165953678-C-A. GRCh37 (hg19) VCF-style: chr2-166810188-C-A.
Other names: c.21+7G>T (NM_024753.4).
Identifiers: ClinVar variation 2160151 (VCV002160151.5), dbSNP rs1687834747, ClinGen allele CA1304819782.

ClinVar aggregate classification (germline): Likely benign. Review status: criteria provided, multiple submitters, no conflicts (2 of 4 stars). 2 submissions from 2 submitters: Likely benign (2). Last evaluated 2025-09-09.

Conditions:
TTC21B-related disorder. Also called: TTC21B-related condition; TTC21B-related disorders.
Jeune thoracic dystrophy. Also called: Short-rib thoracic dysplasia; Jeune syndrome; Infantile thoracic dystrophy; Thoracic pelvic phalangeal dystrophy; Jeune's syndrome; Chondroectodermal dysplasia-like syndrome. Identifiers: Orphanet 474, MedGen C0265275, MONDO:0018770.
Nephronophthisis. Also called: Juvenile Nephronophthisis. Identifiers: Orphanet 655, MedGen C0687120, MONDO:0019005, HP:0000090.

gnomAD v4.1: 1 of 1,548,592 alleles (0.000065%); highest among the groups gnomAD compares: Non-Finnish European, 0.000087%; no homozygotes.

Submissions (2):

PreventionGenetics, part of Exact Sciences
Classification: Likely benign for TTC21B-related condition. Last evaluated: 2025-09-09. Review status: criteria provided, single submitter. Criteria: ACMG Guidelines, 2015. Collection method: clinical testing. Allele origin: germline.
Comment: This variant is classified as likely benign based on ACMG/AMP sequence variant interpretation guidelines (Richards et al. 2015 PMID: 25741868, with internal and published modifications).

Labcorp Genetics (formerly Invitae), Labcorp
Classification: Likely benign for Jeune thoracic dystrophy; Nephronophthisis. Last evaluated: 2024-09-04. Review status: criteria provided, single submitter. Criteria: Invitae Variant Classification Sherloc (09022015). Collection method: clinical testing. Allele origin: germline.